The following is an entry in ClinVar:

NM_005188.4(CBL):c.2164T>A (p.Cys722Ser)

Gene: CBL (Cbl proto-oncogene; plus strand). Cytogenetic location: 11q23.3.
Variant type: single nucleotide variant.
Coding change: c.2164T>A on transcript NM_005188.4 (MANE Select); coding-DNA position 2164, T replaced by A.
Protein change: p.Cys722Ser; replaces cysteine 722 with serine.
Molecular consequence: missense variant.
Genome position (GRCh38, 1-based): chr11:119,297,394, T>A. VCF-style: chr11-119297394-T-A. GRCh37 (hg19) VCF-style: chr11-119168104-T-A.
Other names: short protein forms C722S.
Identifiers: ClinVar variation 1786965 (VCV001786965.2), dbSNP rs1330337934, ClinGen allele CA382927834.

ClinVar aggregate classification (germline): Uncertain significance (1 of 4 stars; one submission).

Conditions:
Cardiovascular phenotype. Identifiers: MedGen CN230736.

Submission:

Ambry Genetics
Classification: Uncertain significance for Cardiovascular phenotype. Last evaluated: 2022-02-11. Review status: criteria provided, single submitter. Criteria: Ambry Variant Classification Scheme 2023. Collection method: clinical testing. Allele origin: germline.
Comment: The p.C722S variant (also known as c.2164T>A), located in coding exon 14 of the CBL gene, results from a T to A substitution at nucleotide position 2164. The cysteine at codon 722 is replaced by serine, an amino acid with dissimilar properties. This amino acid position is conserved. In addition, this alteration is predicted to be tolerated by in silico analysis. Since supporting evidence is limited at this time, the clinical significance of this alteration remains unclear.